The following is an entry in ClinVar:

ClinVar aggregate classification (germline): Uncertain significance. Review status: criteria provided, multiple submitters, no conflicts (2 of 4 stars). 2 submissions from 2 submitters: Uncertain significance (2). Last evaluated 2025-08-25.

Conditions:
Holoprosencephaly sequence (HPE). Also called: Holoprosencephaly. Identifiers: Orphanet 2162, MedGen C0079541, MONDO:0016296, HP:0001360.

Allele frequency attached by ClinVar (database versions not stated): TOPMed 0.00001.

Submissions (2):

GeneDx
Classification: Uncertain significance. Last evaluated: 2025-08-25. Review status: criteria provided, single submitter. Criteria: GeneDx Variant Classification Process June 2021. Collection method: clinical testing. Allele origin: germline. Affected: yes.
Comment: Not observed at significant frequency in large population cohorts (gnomAD); In silico analysis suggests that this missense variant does not alter protein structure/function; Has not been previously published as pathogenic or benign to our knowledge

Labcorp Genetics (formerly Invitae), Labcorp
Classification: Uncertain significance for Holoprosencephaly sequence. Last evaluated: 2022-07-06. Review status: criteria provided, single submitter. Criteria: Invitae Variant Classification Sherloc (09022015). Collection method: clinical testing. Allele origin: germline.
Comment: In summary, the available evidence is currently insufficient to determine the role of this variant in disease. Therefore, it has been classified as a Variant of Uncertain Significance. Algorithms developed to predict the effect of missense changes on protein structure and function (SIFT, PolyPhen-2, Align-GVGD) all suggest that this variant is likely to be tolerated. ClinVar contains an entry for this variant (Variation ID: 571322). This variant has not been reported in the literature in individuals affected with FOXH1-related conditions. This variant is not present in population databases (gnomAD no frequency). This sequence change replaces alanine, which is neutral and non-polar, with valine, which is neutral and non-polar, at codon 249 of the FOXH1 protein (p.Ala249Val).

NM_003923.3(FOXH1):c.746C>T (p.Ala249Val)

Gene: FOXH1 (forkhead box H1; minus strand). Cytogenetic location: 8q24.3.
Variant type: single nucleotide variant.
Coding change: c.746C>T on transcript NM_003923.3 (MANE Select); coding-DNA position 746, C replaced by T.
Protein change: p.Ala249Val; replaces alanine 249 with valine.
Molecular consequence: missense variant.
Genome position (GRCh38, 1-based): chr8:144,474,590, G>A on the plus strand (C>T on the coding strand, the complement: FOXH1 is on the minus strand). VCF-style: chr8-144474590-G-A. GRCh37 (hg19) VCF-style: chr8-145699973-G-A.
Other names: short protein forms A249V.
Identifiers: ClinVar variation 571322 (VCV000571322.5), dbSNP rs1564751833, ClinGen allele CA372723810.